The following is an entry in ClinVar:

NM_001042492.3(NF1):c.5416C>T (p.Gln1806Ter)

Gene: NF1 (neurofibromin 1; plus strand). Cytogenetic location: 17q11.2.
Variant type: single nucleotide variant.
Coding change: c.5416C>T on transcript NM_001042492.3 (MANE Select); coding-DNA position 5416, C replaced by T.
Protein change: p.Gln1806Ter; replaces glutamine 1806 with a stop codon.
Molecular consequence: nonsense.
Genome position (GRCh38, 1-based): chr17:31,327,646, C>T. VCF-style: chr17-31327646-C-T. GRCh37 (hg19) VCF-style: chr17-29654664-C-T.
Other names: c.5353C>T, p.Gln1785Ter (NM_000267.4); short protein forms Q1806*, Q1785*.
Identifiers: ClinVar variation 1376378 (VCV001376378.8), dbSNP rs2151541286, ClinGen allele CA399009393.

ClinVar aggregate classification (germline): Pathogenic (1 of 4 stars; one submission).

Conditions:
Neurofibromatosis, type 1 (NF1). Also called: VON RECKLINGHAUSEN DISEASE; Peripheral type neurofibromatosis; Neurofibromatosis, type I; NEUROFIBROMATOSIS, TYPE I, SOMATIC. Identifiers: Orphanet 636, MedGen C0027831, MONDO:0018975, OMIM 162200. Disease mechanism: loss of function.

gnomAD v4.1: 1 of 1,614,106 alleles (0.000062%); highest among the groups gnomAD compares: Non-Finnish European, 0.000085%; no homozygotes.

Submission:

Labcorp Genetics (formerly Invitae), Labcorp
Classification: Pathogenic for Neurofibromatosis, type 1. Last evaluated: 2025-03-30. Review status: criteria provided, single submitter. Criteria: Invitae Variant Classification Sherloc (09022015). Collection method: clinical testing. Allele origin: germline.
Comment: This sequence change creates a premature translational stop signal (p.Gln1785*) in the NF1 gene. It is expected to result in an absent or disrupted protein product. Loss-of-function variants in NF1 are known to be pathogenic (PMID: 10712197, 23913538). This variant is not present in population databases (gnomAD no frequency). This premature translational stop signal has been observed in individual(s) with neurofibromatosis type 1 (PMID: 10712197). ClinVar contains an entry for this variant (Variation ID: 1376378). Algorithms developed to predict the effect of sequence changes on RNA splicing suggest that this variant may create or strengthen a splice site. For these reasons, this variant has been classified as Pathogenic.

Literature cited by the submitters: PubMed 10712197; PubMed 23913538.